The following is an entry in ClinVar:

ClinVar aggregate classification (germline): Uncertain significance (1 of 4 stars; one submission).

gnomAD v4.1: 5 of 1,613,454 alleles (0.00031%); highest among the groups gnomAD compares: East Asian, 0.011%; no homozygotes.

Submission:

Ambry Genetics
Classification: Uncertain significance. Last evaluated: 2025-01-04. Review status: criteria provided, single submitter. Criteria: Ambry Variant Classification Scheme 2023. Collection method: clinical testing. Allele origin: germline.
Comment: The p.N214T variant (also known as c.641A>C), located in coding exon 5 of the CTNNA3 gene, results from an A to C substitution at nucleotide position 641. The asparagine at codon 214 is replaced by threonine, an amino acid with similar properties. This amino acid position is conserved. In addition, this alteration is predicted to be tolerated by in silico analysis. Based on the available evidence, the clinical significance of this variant remains unclear.

NM_013266.4(CTNNA3):c.641A>C (p.Asn214Thr)

Gene: CTNNA3 (catenin alpha 3; minus strand). Cytogenetic location: 10q21.3.
Variant type: single nucleotide variant.
Coding change: c.641A>C on transcript NM_013266.4 (MANE Select); coding-DNA position 641, A replaced by C.
Protein change: p.Asn214Thr; replaces asparagine 214 with threonine.
Molecular consequence: missense variant.
Genome position (GRCh38, 1-based): chr10:67,219,809, T>G on the plus strand (A>C on the coding strand, the complement: CTNNA3 is on the minus strand). VCF-style: chr10-67219809-T-G. GRCh37 (hg19) VCF-style: chr10-68979567-T-G.
Other names: c.641A>C, p.Asn214Thr (NM_001127384.3); c.677A>C, p.Asn226Thr (NM_001291133.2); short protein forms N226T, N214T.
Identifiers: ClinVar variation 3837209 (VCV003837209.1).
Genomic context (GRCh38, chr10:67,219,809, plus strand): 5'-AGGGAAGCAACATCAGAATGCTCCAAACAAGCTGAACAAATTGAATGCAAGAGGGGAGAG[T>G]TCTCCTTCAGTGAAGCTCGGGCTCCTGCAATTTCATCTCTCTGATTTGGAGATTTTAAGT-3'
Protein context (NP_037398.2, residues 204-224): IAGARASLKE[Asn214Thr]SPLLHSICSA